The following is an entry in ClinVar:

NM_001363711.2(DUOX2):c.1461G>T (p.Gly487=)

Gene: DUOX2 (dual oxidase 2; minus strand). Cytogenetic location: 15q21.1.
Variant type: single nucleotide variant.
Coding change: c.1461G>T on transcript NM_001363711.2 (MANE Select); coding-DNA position 1461, G replaced by T.
Protein change: p.Gly487=; no amino-acid change (glycine 487 retained).
Molecular consequence: synonymous variant.
Genome position (GRCh38, 1-based): chr15:45,108,160, C>A on the plus strand (G>T on the coding strand, the complement: DUOX2 is on the minus strand). VCF-style: chr15-45108160-C-A. GRCh37 (hg19) VCF-style: chr15-45400358-C-A.
Other names: c.1461G>T, p.Gly487= (NM_014080.5).
Identifiers: ClinVar variation 886072 (VCV000886072.13), dbSNP rs269860, ClinGen allele CA7538604.

ClinVar aggregate classification (germline): Conflicting classifications of pathogenicity. Review status: criteria provided, conflicting classifications (1 of 4 stars). 3 submissions from 3 submitters: Uncertain significance (1); Likely benign (1). 1 of the submissions does not count toward it. Last evaluated 2025-04-17.

Conditions:
Thyroid dyshormonogenesis 6 (TDH6). Also called: HYPOTHYROIDISM, CONGENITAL, DUE TO DYSHORMONOGENESIS, 6; THYROID HORMONOGENESIS, GENETIC DEFECT IN, 6; Genetic transient congenital hypothyroidism. Identifiers: Orphanet 226316, Orphanet 95716, MedGen C1846632, MONDO:0011792, OMIM 607200.
DUOX2-related disorder. Also called: DUOX2-related condition.

Submissions (3):

Labcorp Genetics (formerly Invitae), Labcorp
Classification: Likely benign. Last evaluated: 2025-04-17. Review status: criteria provided, single submitter. Criteria: Invitae Variant Classification Sherloc (09022015). Collection method: clinical testing. Allele origin: germline.

Illumina Laboratory Services, Illumina
Classification: Uncertain significance for Thyroid dyshormonogenesis 6. Last evaluated: 2017-04-27. Review status: criteria provided, single submitter. Criteria: ICSL Variant Classification Criteria 13 December 2019. Collection method: clinical testing. Allele origin: germline.

PreventionGenetics, part of Exact Sciences
Classification: Likely benign for DUOX2-related condition. Last evaluated: 2020-06-30. Review status: no assertion criteria provided. Collection method: clinical testing. Allele origin: germline. Not counted in ClinVar's aggregate classification.
Comment: This variant is classified as likely benign based on ACMG/AMP sequence variant interpretation guidelines (Richards et al. 2015 PMID: 25741868, with internal and published modifications).